The following is an entry in ClinVar:

ClinVar aggregate classification (germline): Uncertain significance. Review status: criteria provided, multiple submitters, no conflicts (2 of 4 stars). 2 submissions from 2 submitters: Uncertain significance (2). Last evaluated 2022-07-20.

Conditions:
Joubert syndrome. Also called: JOUBERT-BOLTSHAUSER SYNDROME; Familial aplasia of the vermis. Identifiers: Orphanet 475, MedGen C5979921, MONDO:0018772.

Allele frequency attached by ClinVar (database versions not stated): gnomAD exomes 0.00001.
gnomAD v4.1: 10 of 1,602,250 alleles (0.00062%); highest among the groups gnomAD compares: Non-Finnish European, 0.00077%; no homozygotes.

Submissions (2):

Labcorp Genetics (formerly Invitae), Labcorp
Classification: Uncertain significance for Joubert syndrome. Last evaluated: 2022-07-20. Review status: criteria provided, single submitter. Criteria: Invitae Variant Classification Sherloc (09022015). Collection method: clinical testing. Allele origin: germline.
Comment: This sequence change replaces tryptophan, which is neutral and slightly polar, with glycine, which is neutral and non-polar, at codon 306 of the INPP5E protein (p.Trp306Gly). This variant is not present in population databases (gnomAD no frequency). This variant has not been reported in the literature in individuals affected with INPP5E-related conditions. Advanced modeling of protein sequence and biophysical properties (such as structural, functional, and spatial information, amino acid conservation, physicochemical variation, residue mobility, and thermodynamic stability) performed at Invitae indicates that this missense variant is expected to disrupt INPP5E protein function. In summary, the available evidence is currently insufficient to determine the role of this variant in disease. Therefore, it has been classified as a Variant of Uncertain Significance.

Blueprint Genetics
Classification: Uncertain significance. Last evaluated: 2018-06-29. Review status: criteria provided, single submitter. Criteria: ACMG Guidelines, 2015. Collection method: clinical testing. Allele origin: germline.

NM_019892.6(INPP5E):c.916T>G (p.Trp306Gly)

Gene: INPP5E (inositol polyphosphate-5-phosphatase E; minus strand). Cytogenetic location: 9q34.3.
Variant type: single nucleotide variant.
Coding change: c.916T>G on transcript NM_019892.6 (MANE Select); coding-DNA position 916, T replaced by G.
Protein change: p.Trp306Gly; replaces tryptophan 306 with glycine.
Molecular consequence: missense variant.
Genome position (GRCh38, 1-based): chr9:136,434,760, A>C on the plus strand (T>G on the coding strand, the complement: INPP5E is on the minus strand). VCF-style: chr9-136434760-A-C. GRCh37 (hg19) VCF-style: chr9-139329212-A-C.
Other names: c.916T>G, p.Trp306Gly (NM_001318502.2); short protein forms W306G.
Identifiers: ClinVar variation 1976888 (VCV001976888.3), dbSNP rs2538881889, ClinGen allele CA375565679.